The following is an entry in ClinVar:

NM_016343.4(CENPF):c.4182A>G (p.Thr1394=)

Gene: CENPF (centromere protein F; plus strand). Cytogenetic location: 1q41.
Variant type: single nucleotide variant.
Coding change: c.4182A>G on transcript NM_016343.4 (MANE Select); coding-DNA position 4182, A replaced by G.
Protein change: p.Thr1394=; no amino-acid change (threonine 1394 retained).
Molecular consequence: synonymous variant.
Genome position (GRCh38, 1-based): chr1:214,642,520, A>G. VCF-style: chr1-214642520-A-G. GRCh37 (hg19) VCF-style: chr1-214815863-A-G.
Identifiers: ClinVar variation 711739 (VCV000711739.38), dbSNP rs150367049, ClinGen allele CA1390549.

ClinVar aggregate classification (germline): Benign/Likely benign. Review status: criteria provided, multiple submitters, no conflicts (2 of 4 stars). 7 submissions from 7 submitters: Benign (1); Likely benign (3). 3 of the submissions do not count toward it. Last evaluated 2026-09-01.

Conditions:
CENPF-related disorder. Also called: CENPF-related condition.

Allele frequency attached by ClinVar (database versions not stated): 1000 Genomes Project 0.00200; 1000 Genomes Project 30x 0.00203; TOPMed 0.00234; ESP Exome Variant Server 0.00323; gnomAD 0.00344 and 0.00354; gnomAD exomes 0.00376 and 0.00417; ExAC 0.00391.
gnomAD v4.1: 6,553 of 1,612,300 alleles (0.41%); highest among the groups gnomAD compares: Non-Finnish European, 0.45%; 20 homozygotes.

Submissions (7):

CeGaT Center for Human Genetics Tuebingen
Classification: Likely benign. Last evaluated: 2026-09-01. Review status: criteria provided, single submitter. Criteria: CeGaT Center For Human Genetics Tuebingen Variant Classification Criteria Version 2. Collection method: clinical testing. Allele origin: germline. Affected: yes. Observed: 7 variant alleles.
Comment: CENPF: BP4, BP7, BS2

Labcorp Genetics (formerly Invitae), Labcorp
Classification: Benign. Last evaluated: 2025-11-01. Review status: criteria provided, single submitter. Criteria: Invitae Variant Classification Sherloc (09022015). Collection method: clinical testing. Allele origin: germline.

Blueprint Genetics
Classification: Likely benign. Last evaluated: 2024-11-19. Review status: criteria provided, single submitter. Criteria: ACMG Guidelines, 2015. Collection method: clinical testing. Allele origin: germline.

GeneDx
Classification: Likely benign. Last evaluated: 2021-05-24. Review status: criteria provided, single submitter. Criteria: GeneDx Variant Classification Process June 2021. Collection method: clinical testing. Allele origin: germline. Affected: yes.

PreventionGenetics, part of Exact Sciences
Classification: Likely benign for CENPF-related condition. Last evaluated: 2021-12-29. Review status: no assertion criteria provided. Collection method: clinical testing. Allele origin: germline. Not counted in ClinVar's aggregate classification.
Comment: This variant is classified as likely benign based on ACMG/AMP sequence variant interpretation guidelines (Richards et al. 2015 PMID: 25741868, with internal and published modifications).

Clinical Genetics DNA and cytogenetics Diagnostics Lab, Erasmus MC, Erasmus Medical Center
Classification: Likely benign. Review status: no assertion criteria provided. Collection method: clinical testing. Allele origin: germline. Affected: yes. Study: VKGL Data-share Consensus. Not counted in ClinVar's aggregate classification.

Genome Diagnostics Laboratory, University Medical Center Utrecht
Classification: Likely benign. Review status: no assertion criteria provided. Collection method: clinical testing. Allele origin: germline. Affected: yes. Study: VKGL Data-share Consensus. Not counted in ClinVar's aggregate classification.